The following is an entry in ClinVar:

ClinVar aggregate classification (germline): Conflicting classifications of pathogenicity. Review status: criteria provided, conflicting classifications (1 of 4 stars). 4 submissions from 4 submitters: Uncertain significance (1); Likely benign (2). 1 of the submissions does not count toward it. Last evaluated 2026-01-14.

Conditions:
Cutis laxa. Identifiers: Orphanet 209, MedGen C0010495, MONDO:0016175, HP:0000973.
PYCR1-related disorder. Also called: PYCR1-related condition.

Allele frequency attached by ClinVar (database versions not stated): gnomAD 0.00006; TOPMed 0.00010; ExAC 0.00014; ESP Exome Variant Server 0.00023; gnomAD exomes 0.00024.
gnomAD v4.1: 199 of 1,613,594 alleles (0.012%); highest among the groups gnomAD compares: Non-Finnish European, 0.0031%; no homozygotes.

Submissions (4):

Labcorp Genetics (formerly Invitae), Labcorp
Classification: Likely benign. Last evaluated: 2026-01-14. Review status: criteria provided, single submitter. Criteria: Invitae Variant Classification Sherloc (09022015). Collection method: clinical testing. Allele origin: germline.

GeneDx
Classification: Likely benign. Last evaluated: 2020-10-19. Review status: criteria provided, single submitter. Criteria: GeneDx Variant Classification Process June 2021. Collection method: clinical testing. Allele origin: germline. Affected: yes.

Illumina Laboratory Services, Illumina
Classification: Uncertain significance for Cutis laxa. Last evaluated: 2018-01-12. Review status: criteria provided, single submitter. Criteria: ICSL Variant Classification Criteria 13 December 2019. Collection method: clinical testing. Allele origin: germline.

PreventionGenetics, part of Exact Sciences
Classification: Likely benign for PYCR1-related condition. Last evaluated: 2024-02-13. Review status: no assertion criteria provided. Collection method: clinical testing. Allele origin: germline. Not counted in ClinVar's aggregate classification.
Comment: This variant is classified as likely benign based on ACMG/AMP sequence variant interpretation guidelines (Richards et al. 2015 PMID: 25741868, with internal and published modifications).

NM_006907.4(PYCR1):c.110T>G (p.Met37Arg)

Gene: PYCR1 (pyrroline-5-carboxylate reductase 1; minus strand). Cytogenetic location: 17q25.3.
Variant type: single nucleotide variant.
Coding change: c.110T>G on transcript NM_006907.4 (MANE Select); coding-DNA position 110, T replaced by G.
Protein change: p.Met37Arg; replaces methionine 37 with arginine.
Molecular consequence: missense variant.
Genome position (GRCh38, 1-based): chr17:81,936,151, A>C on the plus strand (T>G on the coding strand, the complement: PYCR1 is on the minus strand). VCF-style: chr17-81936151-A-C. GRCh37 (hg19) VCF-style: chr17-79894027-A-C.
Other names: c.110T>G, p.Met37Arg (NM_001282279.2, NM_001282280.2, NM_001330523.2 and 1 more transcripts); c.191T>G, p.Met64Arg (NM_001282281.2); c.110T>G (NM_006907.3); short protein forms M37R, M64R.
Identifiers: ClinVar variation 325917 (VCV000325917.19), dbSNP rs138792258, ClinGen allele CA8845567.